The following is an entry in ClinVar:

NM_153676.4(USH1C):c.913_925del (p.Ala305fs)

Gene: USH1C (USH1 protein network component harmonin; minus strand). Cytogenetic location: 11p15.1.
Variant type: Deletion.
Coding change: c.913_925del on transcript NM_153676.4 (MANE Select); coding-DNA positions 913 to 925, 13 bases deleted (GCAGAGGCGCGGC).
Protein change: p.Ala305fs; shifts the reading frame from alanine 305.
Molecular consequence: frameshift variant. On other transcripts: non-coding transcript variant (1).
Genome position (GRCh38, 1-based): chr11:17,522,878-17,522,890, GCCGCGCCTCTGC deleted on the plus strand (GCAGAGGCGCGGC on the coding strand, the reverse complement: USH1C is on the minus strand). VCF-style (leftmost placement, unchanged base first): chr11-17522877-TGCCGCGCCTCTGC-T. GRCh37 (hg19) VCF-style: chr11-17544424-TGCCGCGCCTCTGC-T.
Other names: c.856_868del, p.Ala286fs (NM_001297764.2); c.913_925del, p.Ala305fs (NM_005709.4); short protein forms A286fs, A305fs.
Identifiers: ClinVar variation 1724286 (VCV001724286.2), dbSNP rs2497155760, ClinGen allele CA2580082787.

ClinVar aggregate classification (germline): Likely pathogenic (1 of 4 stars; one submission).

Conditions:
Usher syndrome type 1C. Also called: USHER SYNDROME, TYPE I, ACADIAN VARIETY. Identifiers: Orphanet 231169, Orphanet 886, MedGen C1848604, MONDO:0010171, OMIM 276904.

Submission:

Myriad Genetics, Inc.
Classification: Likely pathogenic for Usher syndrome type 1C. Last evaluated: 2022-02-04. Review status: criteria provided, single submitter. Criteria: Myriad Women's Health Autosomal Recessive and X-Linked Classification Criteria (2021). Collection method: clinical testing. Allele origin: unknown.
Comment: NM_005709.3(USH1C):c.913_925del13(A305Sfs*56) is expected to be pathogenic in the context of USH1C-related disorders. This variant is predicted to lead to an abnormal or absent protein product due to the creation of a premature termination codon in USH1C, a gene where loss-of-function variants are known to be pathogenic. Please note: this variant was assessed in the context of healthy population screening.